The following is an entry in ClinVar:

ClinVar aggregate classification (germline): Uncertain significance. Review status: criteria provided, multiple submitters, no conflicts (2 of 4 stars). 5 submissions from 5 submitters: Uncertain significance (5). Last evaluated 2025-08-08.

Conditions:
Inherited glutathione synthetase deficiency. Identifiers: Orphanet 32, MedGen C5979912, MONDO:0017909.
Inborn genetic diseases. Identifiers: MedGen C0950123, MeSH D030342.

Allele frequency attached by ClinVar (database versions not stated): ExAC 0.00003; gnomAD exomes 0.00004 and 0.00010; TOPMed 0.00006; ESP Exome Variant Server 0.00008; gnomAD 0.00008 and 0.00009.
gnomAD v4.1: 159 of 1,614,024 alleles (0.0099%); highest among the groups gnomAD compares: Non-Finnish European, 0.013%; no homozygotes.

Submissions (5):

Ambry Genetics
Classification: Uncertain significance for Inborn genetic diseases. Last evaluated: 2025-08-08. Review status: criteria provided, single submitter. Criteria: Ambry Variant Classification Scheme 2023. Collection method: clinical testing. Allele origin: germline.

Revvity Omics, Revvity
Classification: Uncertain significance. Last evaluated: 2024-05-01. Review status: criteria provided, single submitter. Criteria: ACMG Guidelines, 2015. Collection method: clinical testing. Allele origin: germline.

Mayo Clinic Laboratories, Mayo Clinic
Classification: Uncertain significance. Last evaluated: 2022-02-07. Review status: criteria provided, single submitter. Criteria: ACMG Guidelines, 2015. Collection method: clinical testing. Allele origin: germline. Observed: 1 variant allele.
Comment: PP3, PM2

Labcorp Genetics (formerly Invitae), Labcorp
Classification: Uncertain significance for Glutathione synthetase deficiency with 5-oxoprolinuria. Last evaluated: 2021-09-24. Review status: criteria provided, single submitter. Criteria: Invitae Variant Classification Sherloc (09022015). Collection method: clinical testing. Allele origin: germline.
Comment: This sequence change replaces threonine with isoleucine at codon 304 of the GSS protein (p.Thr304Ile). The threonine residue is highly conserved and there is a moderate physicochemical difference between threonine and isoleucine. This variant is present in population databases (rs374498290, ExAC 0.006%). This variant has not been reported in the literature in individuals with GSS-related conditions. ClinVar contains an entry for this variant (Variation ID: 439767). Algorithms developed to predict the effect of missense changes on protein structure and function are either unavailable or do not agree on the potential impact of this missense change (SIFT: "Deleterious"; PolyPhen-2: "Probably Damaging"; Align-GVGD: "Class C0"). In summary, the available evidence is currently insufficient to determine the role of this variant in disease. Therefore, it has been classified as a Variant of Uncertain Significance.

ARUP Laboratories, Molecular Genetics and Genomics, ARUP Laboratories
Classification: Uncertain significance. Last evaluated: 2017-04-14. Review status: criteria provided, single submitter. Criteria: ARUP Molecular Germline Variant Investigation Process. Collection method: clinical testing. Allele origin: germline.

NM_000178.4(GSS):c.911C>T (p.Thr304Ile)

Gene: GSS (glutathione synthetase; minus strand). Cytogenetic location: 20q11.22.
Variant type: single nucleotide variant.
Coding change: c.911C>T on transcript NM_000178.4 (MANE Select); coding-DNA position 911, C replaced by T.
Protein change: p.Thr304Ile; replaces threonine 304 with isoleucine.
Molecular consequence: missense variant.
Genome position (GRCh38, 1-based): chr20:34,932,057, G>A on the plus strand (C>T on the coding strand, the complement: GSS is on the minus strand). VCF-style: chr20-34932057-G-A. GRCh37 (hg19) VCF-style: chr20-33519860-G-A.
Other names: p.Thr304Ile; c.911C>T, p.Thr304Ile (LRG_1168t1, NM_001322494.1, NM_001322495.1); c.911C>T (NM_000178.2, NM_000178.3); short protein forms T304I.
Identifiers: ClinVar variation 439767 (VCV000439767.18), dbSNP rs374498290, ClinGen allele CA9825933.